The following is an entry in ClinVar:

ClinVar aggregate classification (germline): Uncertain significance. Review status: criteria provided, multiple submitters, no conflicts (2 of 4 stars). 2 submissions from 2 submitters: Uncertain significance (2). Last evaluated 2024-03-07.

Conditions:
Atypical hemolytic-uremic syndrome with C3 anomaly. Also called: AHUS, SUSCEPTIBILITY TO, 5. Identifiers: Orphanet 2134, MedGen C2752037, MONDO:0013043, OMIM 612925.
Complement component 3 deficiency. Identifiers: Orphanet 280133, MedGen C3151071, MONDO:0013417, OMIM 613779.
Age related macular degeneration 9. Identifiers: MedGen C1969651, MONDO:0012659, OMIM 611378.

Allele frequency attached by ClinVar (database versions not stated): TOPMed below 0.00001; ExAC 0.00002; gnomAD 0.00002; ESP Exome Variant Server 0.00015.
gnomAD v4.1: 3 of 1,613,794 alleles (0.00019%); highest among the groups gnomAD compares: African/African-American, 0.004%; no homozygotes.

Submissions (2):

Fulgent Genetics
Classification: Uncertain significance for Age related macular degeneration 9; Atypical hemolytic-uremic syndrome with C3 anomaly; Complement component 3 deficiency. Last evaluated: 2024-03-07. Review status: criteria provided, single submitter. Criteria: ACMG Guidelines, 2015. Collection method: clinical testing. Allele origin: germline.

Labcorp Genetics (formerly Invitae), Labcorp
Classification: Uncertain significance. Last evaluated: 2022-03-15. Review status: criteria provided, single submitter. Criteria: Invitae Variant Classification Sherloc (09022015). Collection method: clinical testing. Allele origin: germline.
Comment: This sequence change replaces serine, which is neutral and polar, with threonine, which is neutral and polar, at codon 452 of the C3 protein (p.Ser452Thr). In summary, the available evidence is currently insufficient to determine the role of this variant in disease. Therefore, it has been classified as a Variant of Uncertain Significance. Algorithms developed to predict the effect of missense changes on protein structure and function (SIFT, PolyPhen-2, Align-GVGD) all suggest that this variant is likely to be tolerated. This variant has not been reported in the literature in individuals affected with C3-related conditions. This variant is present in population databases (rs143430438, gnomAD 0.02%).

NM_000064.4(C3):c.1354T>A (p.Ser452Thr)

Gene: C3 (complement C3; minus strand). Cytogenetic location: 19p13.3.
Variant type: single nucleotide variant.
Coding change: c.1354T>A on transcript NM_000064.4 (MANE Select); coding-DNA position 1354, T replaced by A.
Protein change: p.Ser452Thr; replaces serine 452 with threonine.
Molecular consequence: missense variant.
Genome position (GRCh38, 1-based): chr19:6,711,112, A>T on the plus strand (T>A on the coding strand, the complement: C3 is on the minus strand). VCF-style: chr19-6711112-A-T. GRCh37 (hg19) VCF-style: chr19-6711123-A-T.
Other names: short protein forms S452T.
Identifiers: ClinVar variation 2112627 (VCV002112627.5), dbSNP rs143430438, ClinGen allele CA9129479.